The following is an entry in ClinVar:

NM_000038.6(APC):c.2876C>A (p.Ser959Tyr)

Gene: APC (APC regulator of Wnt signaling pathway; plus strand). Cytogenetic location: 5q22.2.
Variant type: single nucleotide variant.
Coding change: c.2876C>A on transcript NM_000038.6 (MANE Select); coding-DNA position 2876, C replaced by A.
Protein change: p.Ser959Tyr; replaces serine 959 with tyrosine.
Molecular consequence: missense variant.
Genome position (GRCh38, 1-based): chr5:112,838,470, C>A. VCF-style: chr5-112838470-C-A. GRCh37 (hg19) VCF-style: chr5-112174167-C-A.
Other names: c.2876C>A, p.Ser959Tyr (NM_001127510.3, NM_001354895.2); c.2822C>A, p.Ser941Tyr (NM_001127511.3); c.2930C>A, p.Ser977Tyr (NM_001354896.2); c.2906C>A, p.Ser969Tyr (NM_001354897.2); c.2801C>A, p.Ser934Tyr (NM_001354898.2); c.2792C>A, p.Ser931Tyr (NM_001354899.2); c.2753C>A, p.Ser918Tyr (NM_001354900.2); c.2699C>A, p.Ser900Tyr (NM_001354901.2); and 5 more; short protein forms S858Y, S868Y, S900Y, S977Y, S676Y, S918Y, S959Y, S799Y.
Identifiers: ClinVar variation 1497339 (VCV001497339.11), dbSNP rs757526267, ClinGen allele CA033827.

ClinVar aggregate classification (germline): Uncertain significance. Review status: criteria provided, multiple submitters, no conflicts (2 of 4 stars). 3 submissions from 3 submitters: Uncertain significance (3). Last evaluated 2025-02-24.

Conditions:
Hereditary cancer-predisposing syndrome. Also called: Tumor predisposition; Hereditary neoplastic syndrome; Neoplastic Syndromes, Hereditary; Hereditary Cancer Syndrome. Identifiers: Orphanet 140162, MedGen C0027672, MeSH D009386, MONDO:0015356.
Familial adenomatous polyposis 1 (FAP1). Also called: FAMILIAL ADENOMATOUS POLYPOSIS 1, ATTENUATED; POLYPOSIS, ADENOMATOUS INTESTINAL. Identifiers: MedGen C2713442, MONDO:0021056, OMIM 175100. Disease mechanism: loss of function.

Allele frequency attached by ClinVar (database versions not stated): gnomAD exomes below 0.00001; ExAC 0.00001.
gnomAD v4.1: 1 of 1,614,164 alleles (0.000062%); highest among the groups gnomAD compares: South Asian, 0.0011%; no homozygotes.

Submissions (3):

Labcorp Genetics (formerly Invitae), Labcorp
Classification: Uncertain significance for Familial adenomatous polyposis 1. Last evaluated: 2025-02-24. Review status: criteria provided, single submitter. Criteria: Invitae Variant Classification Sherloc (09022015). Collection method: clinical testing. Allele origin: germline.
Comment: This sequence change replaces serine, which is neutral and polar, with tyrosine, which is neutral and polar, at codon 959 of the APC protein (p.Ser959Tyr). This variant is present in population databases (rs757526267, gnomAD 0.006%). This variant has not been reported in the literature in individuals affected with APC-related conditions. ClinVar contains an entry for this variant (Variation ID: 1497339). Invitae Evidence Modeling of protein sequence and biophysical properties (such as structural, functional, and spatial information, amino acid conservation, physicochemical variation, residue mobility, and thermodynamic stability) indicates that this missense variant is not expected to disrupt APC protein function with a negative predictive value of 95%. In summary, the available evidence is currently insufficient to determine the role of this variant in disease. Therefore, it has been classified as a Variant of Uncertain Significance.

Baylor Genetics
Classification: Uncertain significance for Familial adenomatous polyposis 1. Last evaluated: 2023-12-28. Review status: criteria provided, single submitter. Criteria: ACMG Guidelines, 2015. Collection method: clinical testing. Allele origin: unknown.

Ambry Genetics
Classification: Uncertain significance for Hereditary cancer-predisposing syndrome. Last evaluated: 2022-02-13. Review status: criteria provided, single submitter. Criteria: Ambry Variant Classification Scheme 2023. Collection method: clinical testing. Allele origin: germline.
Comment: The p.S959Y variant (also known as c.2876C>A), located in coding exon 15 of the APC gene, results from a C to A substitution at nucleotide position 2876. The serine at codon 959 is replaced by tyrosine, an amino acid with dissimilar properties. This amino acid position is conserved. In addition, in silico predictors for this gene do not accurately predict pathogenicity. Since supporting evidence is limited at this time, the clinical significance of this alteration remains unclear.